The following is an entry in ClinVar:

ClinVar aggregate classification (germline): Uncertain significance (1 of 4 stars; one submission).

gnomAD v4.1: 4 of 1,567,130 alleles (0.00026%); highest among the groups gnomAD compares: Admixed American, 0.0019%; no homozygotes.

Submission:

Labcorp Genetics (formerly Invitae), Labcorp
Classification: Uncertain significance. Last evaluated: 2026-01-04. Review status: criteria provided, single submitter. Criteria: Invitae Variant Classification Sherloc (09022015). Collection method: clinical testing. Allele origin: germline.
Comment: This sequence change replaces glycine, which is neutral and non-polar, with arginine, which is basic and polar, at codon 13 of the DUOX2 protein (p.Gly13Arg). This variant is present in population databases (no rsID available, gnomAD 0.004%). This variant has not been reported in the literature in individuals affected with DUOX2-related conditions. Invitae Evidence Modeling of protein sequence and biophysical properties (such as structural, functional, and spatial information, amino acid conservation, physicochemical variation, residue mobility, and thermodynamic stability) indicates that this missense variant is not expected to disrupt DUOX2 protein function with a negative predictive value of 95%. In summary, the available evidence is currently insufficient to determine the role of this variant in disease. Therefore, it has been classified as a Variant of Uncertain Significance.

NM_001363711.2(DUOX2):c.37G>C (p.Gly13Arg)

Gene: DUOX2 (dual oxidase 2; minus strand). Cytogenetic location: 15q21.1.
Variant type: single nucleotide variant.
Coding change: c.37G>C on transcript NM_001363711.2 (MANE Select); coding-DNA position 37, G replaced by C.
Protein change: p.Gly13Arg; replaces glycine 13 with arginine.
Molecular consequence: missense variant.
Genome position (GRCh38, 1-based): chr15:45,113,375, C>G on the plus strand (G>C on the coding strand, the complement: DUOX2 is on the minus strand). VCF-style: chr15-45113375-C-G. GRCh37 (hg19) VCF-style: chr15-45405573-C-G.
Other names: c.37G>C, p.Gly13Arg (NM_014080.5); short protein forms G13R.
Identifiers: ClinVar variation 4702865 (VCV004702865.1).